The following is an entry in ClinVar:

NM_014874.4(MFN2):c.1267A>G (p.Thr423Ala)

Gene: MFN2 (mitofusin 2; plus strand). Cytogenetic location: 1p36.22.
Variant type: single nucleotide variant.
Coding change: c.1267A>G on transcript NM_014874.4 (MANE Select); coding-DNA position 1267, A replaced by G.
Protein change: p.Thr423Ala; replaces threonine 423 with alanine.
Molecular consequence: missense variant.
Genome position (GRCh38, 1-based): chr1:12,004,098, A>G. VCF-style: chr1-12004098-A-G. GRCh37 (hg19) VCF-style: chr1-12064155-A-G.
Other names: c.1267A>G, p.Thr423Ala (NM_001127660.2); short protein forms T423A.
Identifiers: ClinVar variation 639674 (VCV000639674.8), dbSNP rs765921889, ClinGen allele CA599060.

ClinVar aggregate classification (germline): Uncertain significance (1 of 4 stars; one submission).

Conditions:
Charcot-Marie-Tooth disease type 2. Also called: Charcot-Marie-Tooth type 2. Identifiers: Orphanet 64746, MedGen C0270914, MONDO:0018993.

Allele frequency attached by ClinVar (database versions not stated): gnomAD exomes below 0.00001 and 0.00001; TOPMed 0.00001; ExAC 0.00001; gnomAD 0.00001.
gnomAD v4.1: 10 of 1,614,046 alleles (0.00062%); highest among the groups gnomAD compares: Admixed American, 0.01%; no homozygotes.

Submission:

Labcorp Genetics (formerly Invitae), Labcorp
Classification: Uncertain significance for Charcot-Marie-Tooth disease type 2. Last evaluated: 2024-08-08. Review status: criteria provided, single submitter. Criteria: Invitae Variant Classification Sherloc (09022015). Collection method: clinical testing. Allele origin: germline.
Comment: This sequence change replaces threonine, which is neutral and polar, with alanine, which is neutral and non-polar, at codon 423 of the MFN2 protein (p.Thr423Ala). This variant is present in population databases (rs765921889, gnomAD 0.006%). This missense change has been observed in individual(s) with clinical features of MFN2-related conditions (Invitae). In at least one individual the data is consistent with being in trans (on the opposite chromosome) from a pathogenic variant. It has also been observed to segregate with disease in related individuals. ClinVar contains an entry for this variant (Variation ID: 639674). Advanced modeling of protein sequence and biophysical properties (such as structural, functional, and spatial information, amino acid conservation, physicochemical variation, residue mobility, and thermodynamic stability) has been performed at Invitae for this missense variant, however the output from this modeling did not meet the statistical confidence thresholds required to predict the impact of this variant on MFN2 protein function. In summary, the available evidence is currently insufficient to determine the role of this variant in disease. Therefore, it has been classified as a Variant of Uncertain Significance.